The following is an entry in ClinVar:

ClinVar aggregate classification (germline): Benign (1 of 4 stars; one submission).

Conditions:
Peroxisome biogenesis disorder 11A (Zellweger). Also called: Peroxisome biogenesis disorder 11A. Identifiers: Orphanet 912, MedGen C3554000, MONDO:0013949, OMIM 614883.

Allele frequency attached by ClinVar (database versions not stated): gnomAD 0.00973; TOPMed 0.01084; 1000 Genomes Project 0.01458; 1000 Genomes Project 30x 0.01499.

Submission:

Illumina Laboratory Services, Illumina
Classification: Benign for Peroxisome biogenesis disorder 11A (Zellweger). Last evaluated: 2018-01-13. Review status: criteria provided, single submitter. Criteria: ICSL Variant Classification Criteria 13 December 2019. Collection method: clinical testing. Allele origin: germline.
Comment: This variant was observed in the ICSL laboratory as part of a predisposition screen in an ostensibly healthy population. It had not been previously curated by ICSL or reported in the Human Gene Mutation Database (HGMD: prior to June 1st, 2018), and was therefore a candidate for classification through an automated scoring system. Utilizing variant allele frequency, disease prevalence and penetrance estimates, and inheritance mode, an automated score was calculated to assess if this variant is too frequent to cause the disease. Based on the score and internal cut-off values, a variant classified as benign is not then subjected to further curation. The score for this variant resulted in a classification of benign for this disease.

NM_002618.4(PEX13):c.*1943G>A

Gene: PEX13 (peroxisomal biogenesis factor 13; plus strand). Cytogenetic location: 2p15.
Variant type: single nucleotide variant.
Coding change: c.*1943G>A on transcript NM_002618.4 (MANE Select); 1943 bases downstream of the stop codon, G replaced by A.
Molecular consequence: 3 prime UTR variant.
Genome position (GRCh38, 1-based): chr2:61,050,713, G>A. VCF-style: chr2-61050713-G-A. GRCh37 (hg19) VCF-style: chr2-61277848-G-A.
Identifiers: ClinVar variation 336696 (VCV000336696.5), dbSNP rs183689971, ClinGen allele CA10613732.